The following is an entry in ClinVar:

ClinVar aggregate classification (germline): Uncertain significance (1 of 4 stars; one submission).

Submission:

Labcorp Genetics (formerly Invitae), Labcorp
Classification: Uncertain significance. Last evaluated: 2024-08-15. Review status: criteria provided, single submitter. Criteria: Invitae Variant Classification Sherloc (09022015). Collection method: clinical testing. Allele origin: germline.
Comment: This sequence change falls in intron 6 of the MSH3 gene. It does not directly change the encoded amino acid sequence of the MSH3 protein. It affects a nucleotide within the consensus splice site. This variant is not present in population databases (gnomAD no frequency). This variant has not been reported in the literature in individuals affected with MSH3-related conditions. ClinVar contains an entry for this variant (Variation ID: 655516). Variants that disrupt the consensus splice site are a relatively common cause of aberrant splicing (PMID: 17576681, 9536098). Algorithms developed to predict the effect of sequence changes on RNA splicing suggest that this variant may disrupt the consensus splice site. In summary, the available evidence is currently insufficient to determine the role of this variant in disease. Therefore, it has been classified as a Variant of Uncertain Significance.

Literature cited by the submitters: PubMed 17576681; PubMed 9536098.

NM_002439.5(MSH3):c.1027+1A>C

Genes: MSH3 (mutS homolog 3; plus strand), LOC126807437 (MED14-independent group 3 enhancer GRCh37_chr5:79968379-79969578; plus strand). Cytogenetic location: 5q14.1.
Variant type: single nucleotide variant.
Coding change: c.1027+1A>C on transcript NM_002439.5 (MANE Select); the canonical splice donor site of the intron after coding-DNA position 1027, A replaced by C.
Molecular consequence: splice donor variant.
Genome position (GRCh38, 1-based): chr5:80,672,859, A>C. VCF-style: chr5-80672859-A-C. GRCh37 (hg19) VCF-style: chr5-79968678-A-C.
Identifiers: ClinVar variation 655516 (VCV000655516.6), dbSNP rs1580552363, ClinGen allele CA360267565.